The following is an entry in ClinVar:

ClinVar aggregate classification (germline): Likely benign (0 of 4 stars; one submission).

Conditions:
ITIH4-related disorder. Also called: ITIH4-related condition.

Allele frequency attached by ClinVar (database versions not stated): gnomAD 0.00005; TOPMed 0.00007; gnomAD exomes 0.00009; ExAC 0.00012; ESP Exome Variant Server 0.00015.
gnomAD v4.1: 138 of 1,611,798 alleles (0.0086%); highest among the groups gnomAD compares: Middle Eastern, 0.036%; no homozygotes.

Submission:

PreventionGenetics, part of Exact Sciences
Classification: Likely benign for ITIH4-related condition. Last evaluated: 2020-06-11. Review status: no assertion criteria provided. Collection method: clinical testing. Allele origin: germline.
Comment: This variant is classified as likely benign based on ACMG/AMP sequence variant interpretation guidelines (Richards et al. 2015 PMID: 25741868, with internal and published modifications).

NM_002218.5(ITIH4):c.1512G>A (p.Val504=)

Gene: ITIH4 (inter-alpha-trypsin inhibitor heavy chain 4; minus strand). Cytogenetic location: 3p21.1.
Variant type: single nucleotide variant.
Coding change: c.1512G>A on transcript NM_002218.5 (MANE Select); coding-DNA position 1512, G replaced by A.
Protein change: p.Val504=; no amino-acid change (valine 504 retained).
Molecular consequence: synonymous variant.
Genome position (GRCh38, 1-based): chr3:52,823,583, C>T on the plus strand (G>A on the coding strand, the complement: ITIH4 is on the minus strand). VCF-style: chr3-52823583-C-T. GRCh37 (hg19) VCF-style: chr3-52857599-C-T.
Other names: c.1512G>A, p.Val504= (NM_001166449.2).
Identifiers: ClinVar variation 3045300 (VCV003045300.2), dbSNP rs143002894, ClinGen allele CA2449347.